The following is an entry in ClinVar:

ClinVar aggregate classification (germline): Pathogenic (1 of 4 stars; one submission).

Conditions:
Primary pulmonary hypertension. Also called: Idiopathic pulmonary hypertension. Identifiers: MedGen C0152171.

Submission:

Labcorp Genetics (formerly Invitae), Labcorp
Classification: Pathogenic for Primary pulmonary hypertension. Last evaluated: 2025-12-17. Review status: criteria provided, single submitter. Criteria: Invitae Variant Classification Sherloc (09022015). Collection method: clinical testing. Allele origin: germline.
Comment: This sequence change creates a premature translational stop signal (p.Val654Serfs*5) in the BMPR2 gene. It is expected to result in an absent or disrupted protein product. Loss-of-function variants in BMPR2 are known to be pathogenic (PMID: 16429395). This variant is not present in population databases (gnomAD no frequency). This premature translational stop signal has been observed in individual(s) with pulmonary arterial hypertension (PMID: 30578397). ClinVar contains an entry for this variant (Variation ID: 3709084). For these reasons, this variant has been classified as Pathogenic.

Literature cited by the submitters: PubMed 16429395; PubMed 30578397.

NM_001204.7(BMPR2):c.1959del (p.Val654fs)

Gene: BMPR2 (bone morphogenetic protein receptor type 2; plus strand). Cytogenetic location: 2q33.2.
Variant type: Deletion.
Coding change: c.1959del on transcript NM_001204.7 (MANE Select); coding-DNA position 1959, one base deleted (T; older notation c.1959delT).
Protein change: p.Val654fs; shifts the reading frame from valine 654.
Molecular consequence: frameshift variant.
Genome position (GRCh38, 1-based): chr2:202,555,624, T deleted. VCF-style (leftmost placement, unchanged base first): chr2-202555623-CT-C. GRCh37 (hg19) VCF-style: chr2-203420346-CT-C.
Other names: short protein forms V654fs.
Identifiers: ClinVar variation 3709084 (VCV003709084.2).